The following is an entry in ClinVar:

ClinVar aggregate classification (germline): Pathogenic (1 of 4 stars; one submission).

Submission:

CeGaT Center for Human Genetics Tuebingen
Classification: Pathogenic. Last evaluated: 2024-06-01. Review status: criteria provided, single submitter. Criteria: CeGaT Center For Human Genetics Tuebingen Variant Classification Criteria Version 2. Collection method: clinical testing. Allele origin: germline. Affected: yes. Observed: 1 variant allele.
Comment: ASL: PP4:Strong, PM1, PM2, PM3, PP3

NM_000048.4(ASL):c.680T>C (p.Leu227Pro)

Gene: ASL (argininosuccinate lyase; plus strand). Cytogenetic location: 7q11.21.
Variant type: single nucleotide variant.
Coding change: c.680T>C on transcript NM_000048.4 (MANE Select); coding-DNA position 680, T replaced by C.
Protein change: p.Leu227Pro; replaces leucine 227 with proline.
Molecular consequence: missense variant.
Genome position (GRCh38, 1-based): chr7:66,087,753, T>C. VCF-style: chr7-66087753-T-C. GRCh37 (hg19) VCF-style: chr7-65552740-T-C.
Other names: c.680T>C, p.Leu227Pro (NM_001024943.2, NM_001024944.2); c.602T>C, p.Leu201Pro (NM_001024946.2); short protein forms L201P, L227P.
Identifiers: ClinVar variation 3250959 (VCV003250959.18), dbSNP rs2485013627.